The following is an entry in ClinVar:

ClinVar aggregate classification (germline): Conflicting classifications of pathogenicity. Review status: criteria provided, conflicting classifications (1 of 4 stars). 3 submissions from 3 submitters: Likely pathogenic (1); Uncertain significance (1). 1 of the submissions does not count toward it. Last evaluated 2026-06-02.

Conditions:
PMM2-congenital disorder of glycosylation. Also called: JAEKEN SYNDROME; Congenital disorder of glycosylation, type Ia; PHOSPHOMANNOMUTASE 2 DEFICIENCY; CARBOHYDRATE-DEFICIENT GLYCOPROTEIN SYNDROME, TYPE Ia; CDG Ia; PMM2-CDG. Identifiers: Orphanet 79318, MedGen C0349653, MONDO:0008907, OMIM 212065.
Inborn genetic diseases. Identifiers: MedGen C0950123, MeSH D030342.

Submissions (3):

GeneDx
Classification: Likely pathogenic. Last evaluated: 2026-06-02. Review status: criteria provided, single submitter. Criteria: GeneDx Variant Classification Process June 2021. Collection method: clinical testing. Allele origin: germline.
Comment: In-frame deletion of 1 amino acid(s) in a non-repeat region; Not observed at significant frequency in large population cohorts (gnomAD); Has not been previously published as pathogenic or benign to our knowledge; In silico analysis supports a deleterious effect on protein structure/function

Ambry Genetics
Classification: Uncertain significance for Inborn genetic diseases. Last evaluated: 2022-09-05. Review status: criteria provided, single submitter. Criteria: Ambry Variant Classification Scheme 2023. Collection method: clinical testing. Allele origin: germline.
Comment: The c.344_346delAGA (p.K115del) alteration is located in exon 4 (coding exon 4) of the PMM2 gene. This alteration consists of an in-frame deletion of 3 nucleotides between nucleotide positions c.344 and c.346, resulting in the deletion of <NA> residues. Based on insufficient or conflicting evidence, the clinical significance of this alteration remains unclear.

Counsyl
Classification: Uncertain significance for PMM2-congenital disorder of glycosylation. Last evaluated: 2017-12-11. Review status: no assertion criteria provided. Collection method: clinical testing. Allele origin: unknown. Not counted in ClinVar's aggregate classification.

NM_000303.3(PMM2):c.341AGA[1] (p.Lys115del)

Gene: PMM2 (phosphomannomutase 2; plus strand). Cytogenetic location: 16p13.2.
Variant type: Microsatellite.
Coding change: c.341AGA[1] on transcript NM_000303.3 (MANE Select); one copy of the 3-base unit AGA starting at c.341; the reference has two copies in a row; one copy, 3 bases deleted; also written c.344_346del.
Protein change: p.Lys115del; deletes lysine 115.
Molecular consequence: inframe deletion.
Genome position (GRCh38, 1-based): chr16:8,806,404-8,806,406, AGA deleted; deleting any 3 consecutive bases within chr16:8,806,399-8,806,406 gives the same sequence; the position shown is the placement nearest the transcript's 3' end. VCF-style (leftmost placement, unchanged base first): chr16-8806398-CGAA-C. GRCh37 (hg19) VCF-style: chr16-8900255-CGAA-C.
Other names: c.344_346del (NM_000303.2); c.344_346delAGA (NM_000303.2); short protein forms K115del.
Identifiers: ClinVar variation 555501 (VCV000555501.6), dbSNP rs1555449316, ClinGen allele CA658823865.